The following is an entry in ClinVar:

NC_000018.9:g.(?_3067260)_(3215221_?)del

Gene: MYOM1 (myomesin 1; minus strand). Cytogenetic location: 18p11.31.
Variant type: Deletion.
Identifiers: ClinVar variation 1432613 (VCV001432613.1).

ClinVar aggregate classification (germline): Uncertain significance (1 of 4 stars; one submission).

Conditions:
Hypertrophic cardiomyopathy. Also called: HYPERTROPHIC MYOCARDIOPATHY. Identifiers: Orphanet 217569, MedGen C0007194, MeSH D002312, MONDO:0005045, HP:0001639.

Submission:

Labcorp Genetics (formerly Invitae), Labcorp
Classification: Uncertain significance for Hypertrophic cardiomyopathy. Last evaluated: 2021-09-02. Review status: criteria provided, single submitter. Criteria: Invitae Variant Classification Sherloc (09022015). Collection method: clinical testing. Allele origin: germline.
Comment: A gross deletion of the genomic region encompassing the full coding sequence of the MYOM1 gene has been identified. The current clinical and genetic evidence is not sufficient to establish whether loss-of-function variants in MYOM1 cause disease. The boundaries of this event are unknown as they extend beyond the assayed region for this gene and therefore may encompass additional genes. This variant has not been reported in the literature in individuals affected with MYOM1-related conditions. In summary, the available evidence is currently insufficient to determine the role of this variant in disease. Therefore, it has been classified as a Variant of Uncertain Significance.